The following is an entry in ClinVar:

ClinVar aggregate classification (germline): Benign. Review status: criteria provided, multiple submitters, no conflicts (2 of 4 stars). 2 submissions from 2 submitters: Benign (2). Last evaluated 2018-06-15.

Allele frequency attached by ClinVar (database versions not stated): ESP Exome Variant Server 0.64039; 1000 Genomes Project 0.45028; 1000 Genomes Project 30x 0.46284; TOPMed 0.58433.
gnomAD v4.1: 857,002 of 1,374,778 alleles (62%); highest among the groups gnomAD compares: Non-Finnish European, 67%; 276,871 homozygotes.

Submissions (2):

GeneDx
Classification: Benign. Last evaluated: 2018-06-15. Review status: criteria provided, single submitter. Criteria: GeneDx Variant Classification (06012015). Collection method: clinical testing. Allele origin: germline. Affected: yes.
Comment: This variant is considered likely benign or benign based on one or more of the following criteria: it is a conservative change, it occurs at a poorly conserved position in the protein, it is predicted to be benign by multiple in silico algorithms, and/or has population frequency not consistent with disease.

Breakthrough Genomics
Classification: Benign. Review status: criteria provided, single submitter. Criteria: ACMG Guidelines, 2015. Collection method: not provided. Allele origin: germline. Inheritance: Autosomal dominant inheritance. Affected: yes.

NM_001005242.3(PKP2):c.2358-56C>A

Gene: PKP2 (plakophilin 2; minus strand). Cytogenetic location: 12p11.21.
Variant type: single nucleotide variant.
Coding change: c.2358-56C>A on transcript NM_001005242.3 (MANE Select); 56 bases into the intron before coding-DNA position 2358, C replaced by A.
Molecular consequence: intron variant.
Genome position (GRCh38, 1-based): chr12:32,792,787, G>T on the plus strand (C>A on the coding strand, the complement: PKP2 is on the minus strand). VCF-style: chr12-32792787-G-T. GRCh37 (hg19) VCF-style: chr12-32945721-G-T.
Other names: c.2490-56C>A (NM_004572.4).
Identifiers: ClinVar variation 672159 (VCV000672159.2), dbSNP rs6488091, ClinGen allele CA13585692.